The following is an entry in ClinVar:

ClinVar aggregate classification (germline): Likely pathogenic (1 of 4 stars; one submission).

Submission:

Labcorp Genetics (formerly Invitae), Labcorp
Classification: Likely pathogenic. Last evaluated: 2022-11-28. Review status: criteria provided, single submitter. Criteria: Invitae Variant Classification Sherloc (09022015). Collection method: clinical testing. Allele origin: germline.
Comment: This sequence change replaces glycine, which is neutral and non-polar, with arginine, which is basic and polar, at codon 637 of the COL4A3 protein (p.Gly637Arg). This variant is not present in population databases (gnomAD no frequency). A different variant (c.1909G>A) giving rise to the same protein effect has been determined to be pathogenic (Invitae). This suggests that this variant is also likely to be causative of disease. Advanced modeling of protein sequence and biophysical properties (such as structural, functional, and spatial information, amino acid conservation, physicochemical variation, residue mobility, and thermodynamic stability) has been performed at Invitae for this missense variant, however the output from this modeling did not meet the statistical confidence thresholds required to predict the impact of this variant on COL4A3 protein function. In summary, the currently available evidence indicates that the variant is pathogenic, but additional data are needed to prove that conclusively. Therefore, this variant has been classified as Likely Pathogenic.

NM_000091.5(COL4A3):c.1909G>C (p.Gly637Arg)

Genes: COL4A3 (collagen type IV alpha 3 chain; plus strand), MFF-DT (MFF divergent transcript; minus strand). Cytogenetic location: 2q36.3.
Variant type: single nucleotide variant.
Coding change: c.1909G>C on transcript NM_000091.5 (MANE Select); coding-DNA position 1909, G replaced by C.
Protein change: p.Gly637Arg; replaces glycine 637 with arginine.
Molecular consequence: missense variant.
Genome position (GRCh38, 1-based): chr2:227,273,099, G>C. VCF-style: chr2-227273099-G-C. GRCh37 (hg19) VCF-style: chr2-228137815-G-C.
Other names: short protein forms G637R.
Identifiers: ClinVar variation 2809972 (VCV002809972.3), dbSNP rs761686437, ClinGen allele CA350845039.